The following is an entry in ClinVar:

ClinVar aggregate classification (germline): Uncertain significance (1 of 4 stars; one submission).

Conditions:
Hereditary cancer-predisposing syndrome. Also called: Neoplastic Syndromes, Hereditary; Hereditary Cancer Syndrome; Tumor predisposition; Hereditary neoplastic syndrome. Identifiers: Orphanet 140162, MedGen C0027672, MeSH D009386, MONDO:0015356.

Submission:

Ambry Genetics
Classification: Uncertain significance for Hereditary cancer-predisposing syndrome. Last evaluated: 2025-02-10. Review status: criteria provided, single submitter. Criteria: Ambry Variant Classification Scheme 2023. Collection method: clinical testing. Allele origin: germline.
Comment: The p.A463V variant (also known as c.1388C>T), located in coding exon 14 of the POLE gene, results from a C to T substitution at nucleotide position 1388. The alanine at codon 463 is replaced by valine, an amino acid with similar properties. This amino acid position is highly conserved in available vertebrate species. In addition, the in silico prediction for this alteration is inconclusive. Based on the available evidence, the clinical significance of this variant remains unclear.

NM_006231.4(POLE):c.1388C>T (p.Ala463Val)

Gene: POLE (DNA polymerase epsilon, catalytic subunit; minus strand). Cytogenetic location: 12q24.33.
Variant type: single nucleotide variant.
Coding change: c.1388C>T on transcript NM_006231.4 (MANE Select); coding-DNA position 1388, C replaced by T.
Protein change: p.Ala463Val; replaces alanine 463 with valine.
Molecular consequence: missense variant.
Genome position (GRCh38, 1-based): chr12:132,673,249, G>A on the plus strand (C>T on the coding strand, the complement: POLE is on the minus strand). VCF-style: chr12-132673249-G-A. GRCh37 (hg19) VCF-style: chr12-133249835-G-A.
Other names: short protein forms A463V.
Identifiers: ClinVar variation 3781499 (VCV003781499.1).